The following is an entry in ClinVar:

ClinVar aggregate classification (germline): Uncertain significance (1 of 4 stars; one submission).

Allele frequency attached by ClinVar (database versions not stated): gnomAD exomes below 0.00001.
gnomAD v4.1: 4 of 1,504,736 alleles (0.00027%); highest among the groups gnomAD compares: South Asian, 0.0013%; no homozygotes.

Submission:

Labcorp Genetics (formerly Invitae), Labcorp
Classification: Uncertain significance. Last evaluated: 2022-11-07. Review status: criteria provided, single submitter. Criteria: Invitae Variant Classification Sherloc (09022015). Collection method: clinical testing. Allele origin: germline.
Comment: In summary, the available evidence is currently insufficient to determine the role of this variant in disease. Therefore, it has been classified as a Variant of Uncertain Significance. Algorithms developed to predict the effect of missense changes on protein structure and function output the following: SIFT: "Tolerated"; PolyPhen-2: "Benign"; Align-GVGD: "Class C0". The valine amino acid residue is found in multiple mammalian species, which suggests that this missense change does not adversely affect protein function. This variant has not been reported in the literature in individuals affected with RIMS1-related conditions. This variant is not present in population databases (gnomAD no frequency). This sequence change replaces alanine, which is neutral and non-polar, with valine, which is neutral and non-polar, at codon 409 of the RIMS1 protein (p.Ala409Val).

NM_014989.7(RIMS1):c.1226C>T (p.Ala409Val)

Gene: RIMS1 (regulating synaptic membrane exocytosis 1; plus strand). Cytogenetic location: 6q13.
Variant type: single nucleotide variant.
Coding change: c.1226C>T on transcript NM_014989.7 (MANE Select); coding-DNA position 1226, C replaced by T.
Protein change: p.Ala409Val; replaces alanine 409 with valine.
Molecular consequence: missense variant.
Genome position (GRCh38, 1-based): chr6:72,182,697, C>T. VCF-style: chr6-72182697-C-T. GRCh37 (hg19) VCF-style: chr6-72892400-C-T.
Other names: short protein forms A409V.
Identifiers: ClinVar variation 2874222 (VCV002874222.3), dbSNP rs2551808301, ClinGen allele CA364820523.